The following is an entry in ClinVar:

ClinVar aggregate classification (germline): Conflicting classifications of pathogenicity. Review status: criteria provided, conflicting classifications (1 of 4 stars). 3 submissions from 3 submitters: Uncertain significance (1); Likely benign (2). Last evaluated 2025-12-03.

Conditions:
Cone-rod dystrophy 5 (CORD5). Identifiers: Orphanet 1872, MedGen C1832976, MONDO:0010969, OMIM 600977.

Allele frequency attached by ClinVar (database versions not stated): gnomAD 0.00001 and 0.00003; gnomAD exomes 0.00003 and 0.00005; ExAC 0.00006; TOPMed 0.00006; 1000 Genomes Project 30x 0.00031; 1000 Genomes Project 0.00040.
gnomAD v4.1: 46 of 1,614,190 alleles (0.0028%); highest among the groups gnomAD compares: Middle Eastern, 0.016%; no homozygotes.

Submissions (3):

Labcorp Genetics (formerly Invitae), Labcorp
Classification: Uncertain significance. Last evaluated: 2025-12-03. Review status: criteria provided, single submitter. Criteria: Invitae Variant Classification Sherloc (09022015). Collection method: clinical testing. Allele origin: germline.
Comment: This sequence change replaces proline, which is neutral and non-polar, with serine, which is neutral and polar, at codon 648 of the PITPNM3 protein (p.Pro648Ser). This variant is present in population databases (rs141159316, gnomAD 0.02%). This missense change has been observed in individual(s) with PITPNM3-related conditions (PMID: 32483926). ClinVar contains an entry for this variant (Variation ID: 890612). Invitae Evidence Modeling of protein sequence and biophysical properties (such as structural, functional, and spatial information, amino acid conservation, physicochemical variation, residue mobility, and thermodynamic stability) has been performed for this missense variant. However, the output from this modeling did not meet the statistical confidence thresholds required to predict the impact of this variant on PITPNM3 protein function. In summary, the available evidence is currently insufficient to determine the role of this variant in disease. Therefore, it has been classified as a Variant of Uncertain Significance.

Blueprint Genetics
Classification: Likely benign. Last evaluated: 2024-08-09. Review status: criteria provided, single submitter. Criteria: ACMG Guidelines, 2015. Collection method: clinical testing. Allele origin: germline.

Illumina Laboratory Services, Illumina
Classification: Likely benign for Cone-rod dystrophy 5. Last evaluated: 2018-01-12. Review status: criteria provided, single submitter. Criteria: ICSL Variant Classification Criteria 13 December 2019. Collection method: clinical testing. Allele origin: germline.
Comment: This variant was observed in the ICSL laboratory as part of a predisposition screen in an ostensibly healthy population. It had not been previously curated by ICSL or reported in the Human Gene Mutation Database (HGMD: prior to June 1st, 2018), and was therefore a candidate for classification through an automated scoring system. Utilizing variant allele frequency, disease prevalence and penetrance estimates, and inheritance mode, an automated score was calculated to assess if this variant is too frequent to cause the disease. Based on the score and internal cut-off values, a variant classified as likely benign is not then subjected to further curation. The score for this variant resulted in a classification of likely benign for this disease.

Literature cited by the submitters: PubMed 32483926 (cited by Labcorp Genetics (formerly Invitae), Labcorp).

NM_031220.4(PITPNM3):c.1942C>T (p.Pro648Ser)

Gene: PITPNM3 (PITPNM family member 3; minus strand). Cytogenetic location: 17p13.2.
Variant type: single nucleotide variant.
Coding change: c.1942C>T on transcript NM_031220.4 (MANE Select); coding-DNA position 1942, C replaced by T.
Protein change: p.Pro648Ser; replaces proline 648 with serine.
Molecular consequence: missense variant.
Genome position (GRCh38, 1-based): chr17:6,464,720, G>A on the plus strand (C>T on the coding strand, the complement: PITPNM3 is on the minus strand). VCF-style: chr17-6464720-G-A. GRCh37 (hg19) VCF-style: chr17-6368040-G-A.
Other names: c.1834C>T, p.Pro612Ser (NM_001165966.2); short protein forms P612S, P648S.
Identifiers: ClinVar variation 890612 (VCV000890612.10), dbSNP rs141159316, ClinGen allele CA8329322.